The following is an entry in ClinVar:

NM_000455.5(STK11):c.836_837delinsTA (p.Gly279Val)

Gene: STK11 (serine/threonine kinase 11; plus strand). Cytogenetic location: 19p13.3.
Variant type: Indel.
Coding change: c.836_837delinsTA on transcript NM_000455.5 (MANE Select); coding-DNA positions 836 to 837, GC replaced by TA.
Protein change: p.Gly279Val; replaces glycine 279 with valine.
Molecular consequence: missense variant.
Genome position (GRCh38, 1-based): chr19:1,221,314-1,221,315, GC replaced by TA. VCF-style: chr19-1221314-GC-TA. GRCh37 (hg19) VCF-style: chr19-1221313-GC-TA.
Other names: c.836_837delGCinsTA, p.Gly279Val (NM_001407255.1); short protein forms G279V.
Identifiers: ClinVar variation 1763086 (VCV001763086.2), dbSNP rs1057517603, ClinGen allele CA2580096113.

ClinVar aggregate classification (germline): Uncertain significance (1 of 4 stars; one submission).

Conditions:
Hereditary cancer-predisposing syndrome. Also called: Neoplastic Syndromes, Hereditary; Tumor predisposition; Hereditary Cancer Syndrome; Hereditary neoplastic syndrome. Identifiers: Orphanet 140162, MedGen C0027672, MeSH D009386, MONDO:0015356.

Submission:

Ambry Genetics
Classification: Uncertain significance for Hereditary cancer-predisposing syndrome. Last evaluated: 2021-04-20. Review status: criteria provided, single submitter. Criteria: Ambry Variant Classification Scheme 2023. Collection method: clinical testing. Allele origin: germline.
Comment: The c.836_837delGCinsTA variant (also known as p.G279V), located in coding exon 6 of the STK11 gene, results from an in-frame deletion of GC and insertion of TA at nucleotide positions 836 to 837. This results in the substitution of the glycine residue for a valine residue at codon 279, an amino acid with dissimilar properties. This amino acid position is highly conserved in available vertebrate species. In addition, this alteration is predicted to be neutral by in silico analysis (Choi Y et al. PLoS ONE. 2012; 7(10):e46688). Since supporting evidence is limited at this time, the clinical significance of this alteration remains unclear.